The following is an entry in ClinVar:

NM_153700.2(STRC):c.1030C>T (p.Arg344Ter)

Gene: STRC (stereocilin; minus strand). Cytogenetic location: 15q15.3.
Variant type: single nucleotide variant.
Coding change: c.1030C>T on transcript NM_153700.2 (MANE Select); coding-DNA position 1030, C replaced by T.
Protein change: p.Arg344Ter; replaces arginine 344 with a stop codon.
Molecular consequence: nonsense.
Genome position (GRCh38, 1-based): chr15:43,616,536, G>A on the plus strand (C>T on the coding strand, the complement: STRC is on the minus strand). VCF-style: chr15-43616536-G-A. GRCh37 (hg19) VCF-style: chr15-43908734-G-A.
Other names: short protein forms R344*.
Identifiers: ClinVar variation 2582670 (VCV002582670.3), dbSNP rs1189167614, ClinGen allele CA392184373.

ClinVar aggregate classification (germline): Pathogenic. Review status: criteria provided, multiple submitters, no conflicts (2 of 4 stars). 2 submissions from 2 submitters: Pathogenic (2). Last evaluated 2025-07-09.

Conditions:
STRC-related disorder. Also called: STRC-related condition.
Nonsyndromic genetic hearing loss. Also called: Non-syndromic genetic deafness; Nonsyndromic genetic deafness; Nonsyndromic hearing loss and deafness. Identifiers: Orphanet 87884, MedGen C5680182, MONDO:0019497.

Submissions (2):

PreventionGenetics, part of Exact Sciences
Classification: Pathogenic for STRC-related condition. Last evaluated: 2025-07-09. Review status: criteria provided, single submitter. Criteria: ACMG Guidelines, 2015. Collection method: clinical testing. Allele origin: germline.
Comment: The STRC c.1030C>T variant is predicted to result in premature protein termination (p.Arg344*). This variant was reported in trans to a large deletion in an individual with non-syndromic hearing loss (Domínguez-Ruiz et al. 2023. PubMed ID: 38001944). This variant is reported in 0.017% of alleles in individuals of South Asian descent in gnomAD. Nonsense variants in STRC are expected to be pathogenic. This variant is interpreted as pathogenic.

INGEBI, INGEBI / CONICET
Classification: Pathogenic for Nonsyndromic genetic hearing loss. Last evaluated: 2023-10-05. Review status: criteria provided, single submitter. Criteria: ClinGen HL ACMG Specifications v1. Collection method: clinical testing. Allele origin: germline. Inheritance: Autosomal recessive inheritance. Affected: yes. Observed: 2 variant alleles, 2 compound heterozygotes. Clinical features observed: Moderate hearing impairment (HP:0012713).
Comment: Based on ACMG/AMP guidelines and Hearing Loss Expert Panel specific criteria: The c.1030C>T p.(Arg344Ter) variant in the STRC is absent from population databases (gnomAD, GO-ESP, 1000 genomes) which meets the PM2_Supporting criteria. The c.1030C>T variant is predicted to cause a premature stop codon in the exon 4 of STRC that leads to a truncated or absent protein in a gene in which loss-of-function is an established mechanism of disease (PVS1). PP1) . This variant meets criteria to be classified as pathogenic for autosomal recessive nonsyndromic hearing loss: PM2_Supporting, PVS1, PM3, PP1).